The following is an entry in ClinVar:

ClinVar aggregate classification (germline): Pathogenic/Likely pathogenic. Review status: criteria provided, multiple submitters, no conflicts (2 of 4 stars). 2 submissions from 2 submitters: Pathogenic (1); Likely pathogenic (1). Last evaluated 2025-03-01.

Conditions:
Autosomal recessive osteopetrosis 1. Also called: ALBERS-SCHONBERG DISEASE, AUTOSOMAL RECESSIVE; TCIRG1-Related Osteopetrosis; TCIRG1-Related Autosomal Recessive Osteopetrosis. Identifiers: Orphanet 667, MedGen C1850127, MONDO:0009815, OMIM 259700.

Allele frequency attached by ClinVar (database versions not stated): gnomAD exomes below 0.00001; TOPMed below 0.00001; gnomAD 0.00001.
gnomAD v4.1: 6 of 1,609,668 alleles (0.00037%); highest among the groups gnomAD compares: South Asian, 0.0033%; no homozygotes.

Submissions (2):

Natera, Inc.
Classification: Likely pathogenic for Infantile malignant osteopetrosis. Last evaluated: 2025-03-01. Review status: criteria provided, single submitter. Criteria: Natera Variant Classification Schema (03/2026). Collection method: clinical testing. Allele origin: germline.
Comment: The c.2014-1G>A variant in TCIRG1 is a canonical splice acceptor site variant predicted to affect pre-mRNA splicing, which may result in an abnormal transcript and altered protein product. This variant may result in a truncated or dysfunctional protein product. This variant is rare in the general population with a frequency below the threshold expected for the associated phenotype(s). This variant has been observed in one or more individuals affected with the associated recessive disease, as either homozygous or compound heterozygous with a second variant (PMID: 39011244). Given the available evidence, this variant is classified as Likely Pathogenic.

Molecular Lab, Department of Haematology, Christian Medical College
Classification: Pathogenic for Autosomal recessive osteopetrosis 1. Last evaluated: 2022-05-20. Review status: criteria provided, single submitter. Criteria: ACMG Guidelines, 2015. Collection method: clinical testing. Allele origin: germline. Affected: yes. Observed: 1 variant allele.

Literature cited by the submitters: PubMed 39011244 (cited by Natera, Inc.).

NM_006019.4(TCIRG1):c.2014-1G>A

Gene: TCIRG1 (T cell immune regulator 1, ATPase H+ transporting V0 subunit a3; plus strand). Cytogenetic location: 11q13.2.
Variant type: single nucleotide variant.
Coding change: c.2014-1G>A on transcript NM_006019.4 (MANE Select); the canonical splice acceptor site of the intron before coding-DNA position 2014, G replaced by A.
Molecular consequence: splice acceptor variant.
Genome position (GRCh38, 1-based): chr11:68,049,961, G>A. VCF-style: chr11-68049961-G-A. GRCh37 (hg19) VCF-style: chr11-67817428-G-A.
Other names: c.2014-1G>A (NM_006019.3); c.1120-1G>A (NM_001351059.2); c.1366-1G>A (NM_006053.4).
Identifiers: ClinVar variation 1684666 (VCV001684666.4), dbSNP rs1197237618, ClinGen allele CA381589142.